The following is an entry in ClinVar:

NM_033118.4(MYLK2):c.1295+4C>A

Gene: MYLK2 (myosin light chain kinase 2; plus strand). Cytogenetic location: 20q11.21.
Variant type: single nucleotide variant.
Coding change: c.1295+4C>A on transcript NM_033118.4 (MANE Select); 4 bases into the intron after coding-DNA position 1295, C replaced by A.
Molecular consequence: intron variant.
Genome position (GRCh38, 1-based): chr20:31,830,893, C>A. VCF-style: chr20-31830893-C-A. GRCh37 (hg19) VCF-style: chr20-30418696-C-A.
Identifiers: ClinVar variation 178090 (VCV000178090.28), dbSNP rs113936360, ClinGen allele CA181377.

ClinVar aggregate classification (germline): Benign/Likely benign. Review status: criteria provided, multiple submitters, no conflicts (2 of 4 stars). 11 submissions from 11 submitters: Benign (5); Likely benign (4). 2 of the submissions do not count toward it. Last evaluated 2026-01-28.

Conditions:
Hypertrophic cardiomyopathy 1 (CMH1). Also called: Familial hypertrophic cardiomyopathy 1; MYH7-Related Familial Hypertrophic Cardiomyopathy. Identifiers: MedGen C3495498, MONDO:0008647, OMIM 192600.
Cardiomyopathy (CMYO). Also called: Cardiomyopathies. Identifiers: Orphanet 167848, MedGen C0878544, MONDO:0004994, HP:0001638. Inheritance: Various modes of inheritance.

Allele frequency attached by ClinVar (database versions not stated): gnomAD exomes 0.00016 and 0.00042; ExAC 0.00064; gnomAD 0.00169 and 0.00179; TOPMed 0.00194; ESP Exome Variant Server 0.00215; 1000 Genomes Project 30x 0.00219; 1000 Genomes Project 0.00220.
gnomAD v4.1: 536 of 1,613,680 alleles (0.033%); highest among the groups gnomAD compares: African/African-American, 0.61%; 4 homozygotes.

Submissions (11):

Labcorp Genetics (formerly Invitae), Labcorp
Classification: Benign for Hypertrophic cardiomyopathy 1. Last evaluated: 2026-01-28. Review status: criteria provided, single submitter. Criteria: Invitae Variant Classification Sherloc (09022015). Collection method: clinical testing. Allele origin: germline.

Blueprint Genetics
Classification: Likely benign. Last evaluated: 2024-08-06. Review status: criteria provided, single submitter. Criteria: ACMG Guidelines, 2015. Collection method: clinical testing. Allele origin: germline.

Women's Health and Genetics/Laboratory Corporation of America, LabCorp
Classification: Benign. Last evaluated: 2022-08-15. Review status: criteria provided, single submitter. Criteria: LabCorp Variant Classification Summary - May 2015. Collection method: clinical testing. Allele origin: germline.

ARUP Laboratories, Molecular Genetics and Genomics, ARUP Laboratories
Classification: Benign for Hypertrophic cardiomyopathy 1. Last evaluated: 2021-01-20. Review status: criteria provided, single submitter. Criteria: ARUP Molecular Germline Variant Investigation Process 2021. Collection method: clinical testing. Allele origin: germline.

CHEO Genetics Diagnostic Laboratory, Children's Hospital of Eastern Ontario
Classification: Benign for Cardiomyopathy. Last evaluated: 2017-11-09. Review status: criteria provided, single submitter. Criteria: ACMG Guidelines, 2015. Collection method: clinical testing. Allele origin: germline.

Genome Diagnostics Laboratory, University Medical Center Utrecht
Classification: Likely benign for Hypertrophic cardiomyopathy 1. Last evaluated: 2017-09-15. Review status: criteria provided, single submitter. Criteria: ACGS Guidelines, 2013. Collection method: clinical testing. Allele origin: germline. Affected: yes. Study: VKGL Data-share Consensus.

Laboratory for Molecular Medicine, Mass General Brigham Personalized Medicine
Classification: Likely benign. Last evaluated: 2017-01-27. Review status: criteria provided, single submitter. Criteria: LMM Criteria. Collection method: clinical testing. Allele origin: germline. Observed: 2 variant alleles.
Comment: c.1295+4C>A in intron 9 of MYLK2: This variant is not expected to have clinical significance because it has been identified in 0.7% (75/10378) of African chromo somes, including 1 homozygote, by the Exome Aggregation Consortium (ExAC; dbSNP rs113936360).

GeneDx
Classification: Benign. Last evaluated: 2015-06-10. Review status: criteria provided, single submitter. Criteria: GeneDx Variant Classification (06012015). Collection method: clinical testing. Allele origin: germline. Affected: yes.
Comment: This variant is considered likely benign or benign based on one or more of the following criteria: it is a conservative change, it occurs at a poorly conserved position in the protein, it is predicted to be benign by multiple in silico algorithms, and/or has population frequency not consistent with disease.

Breakthrough Genomics
Classification: Likely benign. Review status: criteria provided, single submitter. Criteria: ACMG Guidelines, 2015. Collection method: not provided. Allele origin: germline. Inheritance: Autosomal dominant inheritance. Affected: yes.

Clinical Genetics DNA and cytogenetics Diagnostics Lab, Erasmus MC, Erasmus Medical Center
Classification: Likely benign. Review status: no assertion criteria provided. Collection method: clinical testing. Allele origin: germline. Affected: yes. Study: VKGL Data-share Consensus. Not counted in ClinVar's aggregate classification.

Diagnostic Laboratory, Department of Genetics, University Medical Center Groningen
Classification: Likely benign for Hypertrophic cardiomyopathy 1. Review status: no assertion criteria provided. Collection method: clinical testing. Allele origin: germline. Affected: yes. Study: VKGL Data-share Consensus. Not counted in ClinVar's aggregate classification.